The following is an entry in ClinVar:

NM_001367561.1(DOCK7):c.2207A>G (p.Tyr736Cys)

Gene: DOCK7 (dedicator of cytokinesis 7; minus strand). Cytogenetic location: 1p31.3.
Variant type: single nucleotide variant.
Coding change: c.2207A>G on transcript NM_001367561.1 (MANE Select); coding-DNA position 2207, A replaced by G.
Protein change: p.Tyr736Cys; replaces tyrosine 736 with cysteine.
Molecular consequence: missense variant.
Genome position (GRCh38, 1-based): chr1:62,559,213, T>C on the plus strand (A>G on the coding strand, the complement: DOCK7 is on the minus strand). VCF-style: chr1-62559213-T-C. GRCh37 (hg19) VCF-style: chr1-63024884-T-C.
Other names: c.2207A>G, p.Tyr736Cys (NM_001271999.2, NM_001272000.2, NM_001272001.2 and 2 more transcripts); short protein forms Y736C.
Identifiers: ClinVar variation 971482 (VCV000971482.6), dbSNP rs977698754, ClinGen allele CA23754714.
Genomic context (GRCh38, chr1:62,559,213, plus strand): 5'-ATTCGGACTGGGAACAGGTGTTCATCCAGAGCATTGACCAGAGCAAAAAATTTGTCAAGA[T>C]AAGGATCCTAAAACAAAGAATAAACAAAAGCACTAAGCACTTATAACTTTATAAATTTCC-3'
Protein context (NP_001354490.1, residues 726-746): AVSSIHTQDP[Tyr736Cys]LDKFFALVNA

ClinVar aggregate classification (germline): Uncertain significance (1 of 4 stars; one submission).

Conditions:
Developmental and epileptic encephalopathy, 23 (DEE23). Also called: Epileptic encephalopathy, early infantile, 23. Identifiers: Orphanet 411986, MedGen C4014492, MONDO:0014371, OMIM 615859.

Allele frequency attached by ClinVar (database versions not stated): TOPMed 0.00001; gnomAD exomes 0.00002 and 0.00007.
gnomAD v4.1: 99 of 1,611,652 alleles (0.0061%); highest among the groups gnomAD compares: Non-Finnish European, 0.0078%; no homozygotes.

Submission:

Labcorp Genetics (formerly Invitae), Labcorp
Classification: Uncertain significance for Developmental and epileptic encephalopathy, 23. Last evaluated: 2022-09-13. Review status: criteria provided, single submitter. Criteria: Invitae Variant Classification Sherloc (09022015). Collection method: clinical testing. Allele origin: germline.
Comment: This sequence change replaces tyrosine, which is neutral and polar, with cysteine, which is neutral and slightly polar, at codon 736 of the DOCK7 protein (p.Tyr736Cys). This variant is present in population databases (no rsID available, gnomAD 0.005%). This variant has not been reported in the literature in individuals affected with DOCK7-related conditions. ClinVar contains an entry for this variant (Variation ID: 971482). Advanced modeling of protein sequence and biophysical properties (such as structural, functional, and spatial information, amino acid conservation, physicochemical variation, residue mobility, and thermodynamic stability) performed at Invitae indicates that this missense variant is not expected to disrupt DOCK7 protein function. In summary, the available evidence is currently insufficient to determine the role of this variant in disease. Therefore, it has been classified as a Variant of Uncertain Significance.